The following is an entry in ClinVar:

NM_001161352.2(KCNMA1):c.70A>C (p.Arg24=)

Gene: KCNMA1 (potassium calcium-activated channel subfamily M alpha 1; minus strand). Cytogenetic location: 10q22.3.
Variant type: single nucleotide variant.
Coding change: c.70A>C on transcript NM_001161352.2 (MANE Select); coding-DNA position 70, A replaced by C.
Protein change: p.Arg24=; no amino-acid change (arginine 24 retained).
Molecular consequence: synonymous variant.
Genome position (GRCh38, 1-based): chr10:77,637,573, T>G on the plus strand (A>C on the coding strand, the complement: KCNMA1 is on the minus strand). VCF-style: chr10-77637573-T-G. GRCh37 (hg19) VCF-style: chr10-79397331-T-G.
Other names: c.70A>C, p.Arg24= (NM_001014797.3, NM_001161353.2, NM_001271518.2 and 12 more transcripts); c.70A>C (NM_002247.3).
Identifiers: ClinVar variation 1096688 (VCV001096688.11), dbSNP rs1350886458, ClinGen allele CA470654629.

ClinVar aggregate classification (germline): Conflicting classifications of pathogenicity. Review status: criteria provided, conflicting classifications (1 of 4 stars). 3 submissions from 3 submitters: Uncertain significance (1); Likely benign (2). Last evaluated 2025-11-08.

Conditions:
Generalized epilepsy-paroxysmal dyskinesia syndrome (PNKD3). Also called: Generalized epilepsy and paroxysmal dyskinesia; Paroxysmal nonkinesigenic dyskinesia, 3, with or without generalized epilepsy. Identifiers: Orphanet 79137, MedGen C5574945, MONDO:0012276, OMIM 609446.

Allele frequency attached by ClinVar (database versions not stated): gnomAD 0.00001; gnomAD exomes 0.00002 and 0.00007.
gnomAD v4.1: 23 of 1,538,090 alleles (0.0015%); highest among the groups gnomAD compares: Middle Eastern, 0.017%; no homozygotes.

Submissions (3):

Labcorp Genetics (formerly Invitae), Labcorp
Classification: Likely benign for Generalized epilepsy-paroxysmal dyskinesia syndrome. Last evaluated: 2025-11-08. Review status: criteria provided, single submitter. Criteria: Invitae Variant Classification Sherloc (09022015). Collection method: clinical testing. Allele origin: germline.

GeneDx
Classification: Uncertain significance. Last evaluated: 2024-11-14. Review status: criteria provided, single submitter. Criteria: GeneDx Variant Classification Process June 2021. Collection method: clinical testing. Allele origin: germline. Affected: yes.
Comment: In silico analysis indicates that this variant does not alter splicing; Has not been previously published as pathogenic or benign to our knowledge

Blueprint Genetics
Classification: Likely benign. Last evaluated: 2024-11-04. Review status: criteria provided, single submitter. Criteria: ACMG Guidelines, 2015. Collection method: clinical testing. Allele origin: germline.